The following is an entry in ClinVar:

ClinVar aggregate classification (germline): Uncertain significance (1 of 4 stars; one submission).

Submission:

Labcorp Genetics (formerly Invitae), Labcorp
Classification: Uncertain significance. Last evaluated: 2025-10-07. Review status: criteria provided, single submitter. Criteria: Invitae Variant Classification Sherloc (09022015). Collection method: clinical testing. Allele origin: germline.
Comment: This sequence change creates a premature translational stop signal (p.Lys106Argfs*15) in the POLR3F gene. It is expected to result in an absent or disrupted protein product. However, the current clinical and genetic evidence is not sufficient to establish whether loss-of-function variants in POLR3F cause disease. The frequency data for this variant in the population databases is considered unreliable, as metrics indicate poor data quality at this position in the gnomAD database. This variant has not been reported in the literature in individuals affected with POLR3F-related conditions. ClinVar contains an entry for this variant (Variation ID: 2056340). In summary, the available evidence is currently insufficient to determine the role of this variant in disease. Therefore, it has been classified as a Variant of Uncertain Significance.

NM_006466.4(POLR3F):c.440del (p.Lys147fs)

Gene: POLR3F (RNA polymerase III subunit F; plus strand). Cytogenetic location: 20p11.23.
Variant type: Deletion.
Coding change: c.440del on transcript NM_006466.4 (MANE Select); coding-DNA position 440, one base deleted (A; older notation c.440delA).
Protein change: p.Lys147fs; shifts the reading frame from lysine 147.
Molecular consequence: frameshift variant. On other transcripts: non-coding transcript variant (1).
Genome position (GRCh38, 1-based): chr20:18,480,048, A deleted; the last of 6 consecutive A bases (chr20:18,480,043-18,480,048); deleting any one gives the same sequence. VCF-style (leftmost placement, unchanged base first): chr20-18480042-CA-C. GRCh37 (hg19) VCF-style: chr20-18460686-CA-C.
Other names: c.317del, p.Lys106fs (NM_001282526.2); short protein forms K147fs, K106fs.
Identifiers: ClinVar variation 2056340 (VCV002056340.4), dbSNP rs1006345873, ClinGen allele CA312388624.
Genomic context (GRCh38, chr20:18,480,042, plus strand): 5'-TTGTTTTTGGAAATTGTTATCTTATAAACACATGAACTGTGCATGTTCTTTCCTAGGCCT[CA>C]AAAAAGAAGGTGTATATGCTCTATAACCTGCAGCCAGACCGGTCTGTGACTGGTGGAGCC-3'